The following is an entry in ClinVar:

NM_021076.4(NEFH):c.1796A>C (p.Lys599Thr)

Gene: NEFH (neurofilament heavy chain; plus strand). Cytogenetic location: 22q12.2.
Variant type: single nucleotide variant.
Coding change: c.1796A>C on transcript NM_021076.4 (MANE Select); coding-DNA position 1796, A replaced by C.
Protein change: p.Lys599Thr; replaces lysine 599 with threonine.
Molecular consequence: missense variant.
Genome position (GRCh38, 1-based): chr22:29,489,436, A>C. VCF-style: chr22-29489436-A-C. GRCh37 (hg19) VCF-style: chr22-29885425-A-C.
Other names: short protein forms K599T.
Identifiers: ClinVar variation 1426458 (VCV001426458.6), dbSNP rs1403224343, ClinGen allele CA411131876.

ClinVar aggregate classification (germline): Uncertain significance (1 of 4 stars; one submission).

Allele frequency attached by ClinVar (database versions not stated): gnomAD exomes 0.00001.
gnomAD v4.1: 3 of 1,613,396 alleles (0.00019%); highest among the groups gnomAD compares: Non-Finnish European, 0.00025%; no homozygotes.

Submission:

Labcorp Genetics (formerly Invitae), Labcorp
Classification: Uncertain significance. Last evaluated: 2025-11-23. Review status: criteria provided, single submitter. Criteria: Invitae Variant Classification Sherloc (09022015). Collection method: clinical testing. Allele origin: germline.
Comment: This sequence change replaces lysine, which is basic and polar, with threonine, which is neutral and polar, at codon 599 of the NEFH protein (p.Lys599Thr). This variant is present in population databases (no rsID available, gnomAD 0.0009%). This variant has not been reported in the literature in individuals affected with NEFH-related conditions. ClinVar contains an entry for this variant (Variation ID: 1426458). Invitae Evidence Modeling of protein sequence and biophysical properties (such as structural, functional, and spatial information, amino acid conservation, physicochemical variation, residue mobility, and thermodynamic stability) indicates that this missense variant is not expected to disrupt NEFH protein function with a negative predictive value of 95%. In summary, the available evidence is currently insufficient to determine the role of this variant in disease. Therefore, it has been classified as a Variant of Uncertain Significance.